The following is an entry in ClinVar:

NM_014672.4(PRORP):c.16_19del (p.Phe6fs)

Genes: PRORP (protein only RNase P catalytic subunit; plus strand), PRORP-PSMA6 (PRORP-PSMA6 readthrough; plus strand). Cytogenetic location: 14q13.2.
Variant type: Microsatellite.
Coding change: c.16_19del on transcript NM_014672.4 (MANE Select); coding-DNA positions 16 to 19, 4 bases deleted (TTTG; older notation c.16_19delTTTG).
Protein change: p.Phe6fs; shifts the reading frame from phenylalanine 6.
Molecular consequence: frameshift variant. On other transcripts: intron variant (3).
Genome position (GRCh38, 1-based): chr14:35,123,261-35,123,264, TTTG deleted; deleting any 4 consecutive bases within chr14:35,123,257-35,123,264 gives the same sequence; the c. name uses the placement nearest the transcript's 3' end. VCF-style (leftmost placement, unchanged base first): chr14-35123256-ATTTG-A. GRCh37 (hg19) VCF-style: chr14-35592462-ATTTG-A.
Other names: c.16_19del, p.Phe6fs (NM_001256678.2); c.-131+351_-131+354del (NM_001256680.2); c.-83+351_-83+354del (NM_001256681.2); c.-26-244_-26-241del (NM_001256679.2); short protein forms F6fs.
Identifiers: ClinVar variation 1685043 (VCV001685043.2), dbSNP rs771817540, ClinGen allele CA7154636.
Genomic context (GRCh38, chr14:35,123,256, plus strand): 5'-GGGGTTTTTTCAACATCTCTCTCACTATCTGGTGCTGATCTCACTGCATAATGACTTTCT[ATTTG>A]TTTGGTATTCGAAGCTTTCCGAAGCTTTGGAAGAGCCCATACCTTGGGCTAGGCCCAGGG-3'

ClinVar aggregate classification (germline): Uncertain significance. Review status: criteria provided, multiple submitters, no conflicts (2 of 4 stars). 2 submissions from 2 submitters: Uncertain significance (2). Last evaluated 2026-08-06.

Conditions:
Combined oxidative phosphorylation deficiency 54 (COXPD54). Identifiers: MedGen C5676912, MONDO:0030543, OMIM 619737.

Submissions (2):

OLLIN Analises Genomicas, OLLIN
Classification: Uncertain significance for Combined oxidative phosphorylation deficiency 54. Last evaluated: 2026-08-06. Review status: criteria provided, single submitter. Criteria: ACMG Guidelines 2015 PMID 25741868. Collection method: clinical testing. Allele origin: germline.
Comment: This frameshift variant, located in exon 2 (of 8), has been reported in ClinVar (accession VCV001685043.1) and in gnomAD with an allele frequency of 0.00025%. However, to our knowledge, it has not been reported in the scientific literature. This variant causes a frameshift and introduces a premature stop codon, which is predicted to result in either a truncated protein or degradation of the mRNA via nonsense-mediated decay (NMD). According to the currently available evidence, this variant has been classified as uncertain significance (PM2_P).

Mendelics
Classification: Uncertain significance. Last evaluated: 2022-05-04. Review status: criteria provided, single submitter. Criteria: Mendelics Assertion Criteria 2019. Collection method: clinical testing. Allele origin: germline.